The following is an entry in ClinVar:

NM_001267550.2(TTN):c.56557C>T (p.His18853Tyr)

Genes: TTN-AS1 (TTN antisense RNA 1; plus strand), TTN (titin; minus strand). Cytogenetic location: 2q31.2.
Variant type: single nucleotide variant.
Coding change: c.56557C>T on transcript NM_001267550.2 (MANE Select); coding-DNA position 56557, C replaced by T.
Protein change: p.His18853Tyr; replaces histidine 18853 with tyrosine.
Molecular consequence: missense variant.
Genome position (GRCh38, 1-based): chr2:178,599,236, G>A on the plus strand (C>T on the coding strand, the complement: TTN is on the minus strand). VCF-style: chr2-178599236-G-A. GRCh37 (hg19) VCF-style: chr2-179463963-G-A.
Other names: c.48853C>T, p.His16285Tyr (NM_133378.4); c.51634C>T, p.His17212Tyr (NM_001256850.1); c.29362C>T, p.His9788Tyr (NM_003319.4); c.29737C>T, p.His9913Tyr (NM_133432.3); c.29938C>T, p.His9980Tyr (NM_133437.4); short protein forms H18853Y, H16285Y, H17212Y, H9788Y, H9913Y, H9980Y.
Identifiers: ClinVar variation 47112 (VCV000047112.11), dbSNP rs397517623, ClinGen allele CA140041.
Genomic context (GRCh38, chr2:178,599,236, plus strand): 5'-TGTCAAGAGGTTCTCCAATGCCATATTTATTCTGGGCCATGATTCGGAATACATATTCAT[G>A]GCCTTCTAGCAATTTGGGAATCGTGTACGTGCACTCCTTAGGTTCACTGGAGACATGGAC-3'
Protein context (NP_001254479.2, residues 18843-18863): TYTIPKLLEG[His18853Tyr]EYVFRIMAQN

ClinVar aggregate classification (germline): Uncertain significance. Review status: criteria provided, multiple submitters, no conflicts (2 of 4 stars). 5 submissions from 5 submitters: Uncertain significance (4). 1 of the submissions does not count toward it. Last evaluated 2024-03-14.

Conditions:
TTN-related disorder. Also called: TTN-related disorders; TTN-related condition; TTN-related disease.
Autosomal recessive limb-girdle muscular dystrophy type 2J (LGMDR10). Also called: Limb-girdle muscular dystrophy, type 2J; MUSCULAR DYSTROPHY, LIMB-GIRDLE, AUTOSOMAL RECESSIVE 10. Identifiers: Orphanet 140922, MedGen C1837342, MONDO:0012127, OMIM 608807.
Dilated cardiomyopathy 1G (CMD1G). Identifiers: Orphanet 154, MedGen C1858763, MONDO:0011400, OMIM 604145.

Allele frequency attached by ClinVar (database versions not stated): TOPMed 0.00001; gnomAD 0.00002; gnomAD exomes 0.00002 and 0.00003; ExAC 0.00003.
gnomAD v4.1: 16 of 1,549,008 alleles (0.001%); highest among the groups gnomAD compares: Admixed American, 0.023%; no homozygotes.

Submissions (5):

Blueprint Genetics
Classification: Uncertain significance. Last evaluated: 2024-03-14. Review status: criteria provided, single submitter. Criteria: ACMG Guidelines, 2015. Collection method: clinical testing. Allele origin: germline.

GeneDx
Classification: Uncertain significance. Last evaluated: 2021-11-05. Review status: criteria provided, single submitter. Criteria: GeneDx Variant Classification Process June 2021. Collection method: clinical testing. Allele origin: germline. Affected: yes.
Comment: Reported in the heterozygous state in a patient with myofibrillar myopathy, however detailed clinical and segregation information was not provided (Gonzalez-Quereda et al., 2020); Not observed at a significant frequency in large population cohorts (Lek et al., 2016); Missense variant in a gene in which most reported pathogenic variants are truncating/loss-of-function; This variant is associated with the following publications: (PMID: 32403337)

Labcorp Genetics (formerly Invitae), Labcorp
Classification: Uncertain significance for Dilated cardiomyopathy 1G; Autosomal recessive limb-girdle muscular dystrophy type 2J. Last evaluated: 2017-12-21. Review status: criteria provided, single submitter. Criteria: Invitae Variant Classification Sherloc (09022015). Collection method: clinical testing. Allele origin: germline.

Laboratory for Molecular Medicine, Mass General Brigham Personalized Medicine
Classification: Uncertain significance. Last evaluated: 2012-11-27. Review status: criteria provided, single submitter. Criteria: LMM Criteria. Collection method: clinical testing. Allele origin: germline. Observed: 1 variant allele.
Comment: The His16285Tyr variant in TTN has not been reported in the literature nor previ ously identified by our laboratory. Computational analyses (biochemical amino ac id properties, conservation, AlignGVGD, PolyPhen2, and SIFT) suggest that the Hi s16285Tyr variant may impact the protein, though this information is not predict ive enough to determine pathogenicity. Additional information is needed to fully assess the clinical significance of the His16285Tyr variant.

PreventionGenetics, part of Exact Sciences
Classification: Uncertain significance for TTN-related condition. Last evaluated: 2024-08-28. Review status: no assertion criteria provided. Collection method: clinical testing. Allele origin: germline. Not counted in ClinVar's aggregate classification.
Comment: The TTN c.56557C>T variant is predicted to result in the amino acid substitution p.His18853Tyr. This variant has been reported in an individual with myofibrillar myopathy (Supplementary data, Gonzalez-Quereda et al. 2020. PubMed ID: 32403337). This variant is reported in 0.016% of alleles in individuals of Latino descent in gnomAD. At this time, the clinical significance of this variant is uncertain due to the absence of conclusive functional and genetic evidence.